The following is an entry in ClinVar:

ClinVar aggregate classification (germline): Pathogenic. Review status: criteria provided, multiple submitters, no conflicts (2 of 4 stars). 2 submissions from 2 submitters: Pathogenic (2). Last evaluated 2025-09-16.

Conditions:
Hypotonia, infantile, with psychomotor retardation and characteristic facies 2 (IHPRF2). Also called: UNC80 Deficiency. Identifiers: Orphanet 371364, Orphanet 700333, MedGen C4225203, MONDO:0014777, OMIM 616801.

Submissions (2):

Labcorp Genetics (formerly Invitae), Labcorp
Classification: Pathogenic. Last evaluated: 2025-09-16. Review status: criteria provided, single submitter. Criteria: Invitae Variant Classification Sherloc (09022015). Collection method: clinical testing. Allele origin: germline.
Comment: This sequence change creates a premature translational stop signal (p.Arg2483*) in the UNC80 gene. It is expected to result in an absent or disrupted protein product. Loss-of-function variants in UNC80 are known to be pathogenic (PMID: 26545877, 26708751, 26708753). This variant is not present in population databases (gnomAD no frequency). This variant has not been reported in the literature in individuals affected with UNC80-related conditions. ClinVar contains an entry for this variant (Variation ID: 1456340). For these reasons, this variant has been classified as Pathogenic.

3billion
Classification: Pathogenic for Hypotonia, infantile, with psychomotor retardation and characteristic facies 2. Last evaluated: 2023-10-23. Review status: criteria provided, single submitter. Criteria: ACMG Guidelines, 2015. Collection method: clinical testing. Allele origin: germline. Affected: yes.
Comment: The variant is not observed in the gnomAD v2.1.1 dataset. Predicted Consequence/Location: Stop-gained (nonsense): predicted to result in a loss or disruption of normal protein function through nonsense-mediated decay (NMD) or protein truncation. Multiple pathogenic variants are reported downstream of the variant. The variant has been reported to be associated with UNC80-related disorder (ClinVar ID: VCV001456340). Therefore, this variant is classified as Pathogenic according to the recommendation of ACMG/AMP guideline.

Literature cited by the submitters: PubMed 26545877 (cited by Labcorp Genetics (formerly Invitae), Labcorp); PubMed 26708751 (cited by Labcorp Genetics (formerly Invitae), Labcorp); PubMed 26708753 (cited by Labcorp Genetics (formerly Invitae), Labcorp).

NM_001371986.1(UNC80):c.7645C>T (p.Arg2549Ter)

Gene: UNC80 (unc-80 subunit of NALCN channel complex; plus strand). Cytogenetic location: 2q34.
Variant type: single nucleotide variant.
Coding change: c.7645C>T on transcript NM_001371986.1 (MANE Select); coding-DNA position 7645, C replaced by T.
Protein change: p.Arg2549Ter; replaces arginine 2549 with a stop codon.
Molecular consequence: nonsense.
Genome position (GRCh38, 1-based): chr2:209,959,547, C>T. VCF-style: chr2-209959547-C-T. GRCh37 (hg19) VCF-style: chr2-210824271-C-T.
Other names: c.7447C>T, p.Arg2483Ter (NM_032504.2); c.7432C>T, p.Arg2478Ter (NM_182587.4); short protein forms R2549*, R2483*, R2478*.
Identifiers: ClinVar variation 1456340 (VCV001456340.7), dbSNP rs2092524250, ClinGen allele CA350776728.